The following is an entry in ClinVar:

ClinVar aggregate classification (germline): Uncertain significance. Review status: criteria provided, multiple submitters, no conflicts (2 of 4 stars). 2 submissions from 2 submitters: Uncertain significance (2). Last evaluated 2025-06-14.

Allele frequency attached by ClinVar (database versions not stated): gnomAD exomes below 0.00001; TOPMed below 0.00001.
gnomAD v4.1: 2 of 1,613,942 alleles (0.00012%); highest among the groups gnomAD compares: Non-Finnish European, 0.00017%; no homozygotes.

Submissions (2):

Ambry Genetics
Classification: Uncertain significance. Last evaluated: 2025-06-14. Review status: criteria provided, single submitter. Criteria: Ambry Variant Classification Scheme 2023. Collection method: clinical testing. Allele origin: germline.
Comment: The p.T528R variant (also known as c.1583C>G), located in coding exon 16 of the SRP72 gene, results from a C to G substitution at nucleotide position 1583. The threonine at codon 528 is replaced by arginine, an amino acid with similar properties. This amino acid position is conserved. In addition, this alteration is predicted to be deleterious by in silico analysis. Based on the available evidence, the clinical significance of this variant remains unclear.

Labcorp Genetics (formerly Invitae), Labcorp
Classification: Uncertain significance. Last evaluated: 2023-02-16. Review status: criteria provided, single submitter. Criteria: Invitae Variant Classification Sherloc (09022015). Collection method: clinical testing. Allele origin: germline.
Comment: Advanced modeling of protein sequence and biophysical properties (such as structural, functional, and spatial information, amino acid conservation, physicochemical variation, residue mobility, and thermodynamic stability) performed at Invitae indicates that this missense variant is not expected to disrupt SRP72 protein function. Algorithms developed to predict the effect of sequence changes on RNA splicing suggest that this variant may disrupt the consensus splice site. In summary, the available evidence is currently insufficient to determine the role of this variant in disease. Therefore, it has been classified as a Variant of Uncertain Significance. This sequence change replaces threonine, which is neutral and polar, with arginine, which is basic and polar, at codon 528 of the SRP72 protein (p.Thr528Arg). This variant is not present in population databases (gnomAD no frequency). This variant has not been reported in the literature in individuals affected with SRP72-related conditions.

NM_006947.4(SRP72):c.1583C>G (p.Thr528Arg)

Gene: SRP72 (signal recognition particle 72; plus strand). Cytogenetic location: 4q12.
Variant type: single nucleotide variant.
Coding change: c.1583C>G on transcript NM_006947.4 (MANE Select); coding-DNA position 1583, C replaced by G.
Protein change: p.Thr528Arg; replaces threonine 528 with arginine.
Molecular consequence: missense variant. On other transcripts: non-coding transcript variant (1).
Genome position (GRCh38, 1-based): chr4:56,491,511, C>G. VCF-style: chr4-56491511-C-G. GRCh37 (hg19) VCF-style: chr4-57357677-C-G.
Other names: c.1583C>G (NM_006947.3); c.1400C>G, p.Thr467Arg (NM_001267722.2); short protein forms T467R, T528R.
Identifiers: ClinVar variation 2867581 (VCV002867581.4), dbSNP rs1720905963, ClinGen allele CA357002060.